The following is an entry in ClinVar:

NM_000053.4(ATP7B):c.2355+13T>G

Gene: ATP7B (ATPase copper transporting beta; minus strand). Cytogenetic location: 13q14.3.
Variant type: single nucleotide variant.
Coding change: c.2355+13T>G on transcript NM_000053.4 (MANE Select); 13 bases into the intron after coding-DNA position 2355, T replaced by G.
Molecular consequence: intron variant.
Genome position (GRCh38, 1-based): chr13:51,958,298, A>C on the plus strand (T>G on the coding strand, the complement: ATP7B is on the minus strand). VCF-style: chr13-51958298-A-C. GRCh37 (hg19) VCF-style: chr13-52532434-A-C.
Other names: c.1870-691T>G (NM_001005918.3); c.2103+13T>G (NM_001330579.2); c.2122-691T>G (NM_001330578.2); c.2022+13T>G (NM_001243182.2).
Identifiers: ClinVar variation 157938 (VCV000157938.74), dbSNP rs139211339, ClinGen allele CA171301.
Genomic context (GRCh38, chr13:51,958,298, plus strand): 5'-ACATGGTGTTCAGAGGAAGTGAGATTTGTTTACTGAAGGAGCAGCTCTTTTCTGAACCTG[A>C]AGCTGCTGTTACCTTTGCCAAGTGTTCCAGCCACCGGCCCAGGGCAATGAACACAAAGAG-3'

ClinVar aggregate classification (germline): Conflicting classifications of pathogenicity. Review status: criteria provided, conflicting classifications (1 of 4 stars). 14 submissions from 14 submitters: Uncertain significance (1); Benign (4); Likely benign (4). 5 of the submissions do not count toward it. Last evaluated 2026-09-01.

Conditions:
Wilson disease (WND). Also called: Wilson's disease. Identifiers: Orphanet 905, MedGen C0019202, MONDO:0010200, OMIM 277900. Disease mechanism: loss of function.

Allele frequency attached by ClinVar (database versions not stated): 1000 Genomes Project 0.00120; 1000 Genomes Project 30x 0.00172; ESP Exome Variant Server 0.00181; TOPMed 0.00204; gnomAD 0.00286 and 0.00293; gnomAD exomes 0.00288 and 0.00341; ExAC 0.00299.
gnomAD v4.1: 5,379 of 1,613,232 alleles (0.33%); highest among the groups gnomAD compares: Non-Finnish European, 0.39%; 12 homozygotes.

Submissions (14):

CeGaT Center for Human Genetics Tuebingen
Classification: Likely benign. Last evaluated: 2026-09-01. Review status: criteria provided, single submitter. Criteria: CeGaT Center For Human Genetics Tuebingen Variant Classification Criteria Version 2. Collection method: clinical testing. Allele origin: germline. Affected: yes. Observed: 30 variant alleles.
Comment: ATP7B: BP4, BS2

Labcorp Genetics (formerly Invitae), Labcorp
Classification: Benign for Wilson disease. Last evaluated: 2026-02-03. Review status: criteria provided, single submitter. Criteria: Invitae Variant Classification Sherloc (09022015). Collection method: clinical testing. Allele origin: germline.

ARUP Laboratories, Molecular Genetics and Genomics, ARUP Laboratories
Classification: Benign for Wilson disease. Last evaluated: 2025-04-21. Review status: criteria provided, single submitter. Criteria: ARUP Molecular Germline Variant Investigation Process 2024. Collection method: clinical testing. Allele origin: germline.

Blueprint Genetics
Classification: Likely benign. Last evaluated: 2024-11-26. Review status: criteria provided, single submitter. Criteria: ACMG Guidelines, 2015. Collection method: clinical testing. Allele origin: germline.

Illumina Laboratory Services, Illumina
Classification: Uncertain significance for Wilson disease. Last evaluated: 2019-05-02. Review status: criteria provided, single submitter. Criteria: ICSL Variant Classification Criteria 13 December 2019. Collection method: clinical testing. Allele origin: germline.
Comment: This variant was observed as part of a predisposition screen in an ostensibly healthy population. A literature search was performed for the gene, cDNA change, and amino acid change (where applicable). Publications were found based on this search. However, the evidence from the literature, in combination with allele frequency data from public databases where available, was not sufficient to rule this variant in or out of causing disease. Therefore, this variant is classified as a variant of unknown significance.

GeneDx
Classification: Likely benign. Last evaluated: 2018-01-03. Review status: criteria provided, single submitter. Criteria: GeneDx Variant Classification (06012015). Collection method: clinical testing. Allele origin: germline. Affected: yes.
Comment: This variant is considered likely benign or benign based on one or more of the following criteria: it is a conservative change, it occurs at a poorly conserved position in the protein, it is predicted to be benign by multiple in silico algorithms, and/or has population frequency not consistent with disease.

Women's Health and Genetics/Laboratory Corporation of America, LabCorp
Classification: Benign. Last evaluated: 2016-11-17. Review status: criteria provided, single submitter. Criteria: LabCorp Variant Classification Summary - May 2015. Collection method: clinical testing. Allele origin: germline.
Comment: Variant summary: The ATP7B c.2355+13T>G variant involves the alteration of a non-conserved intronic nucleotide. One in silico tool predicts a benign outcome for this variant. 5/5 splice prediction tools predict no significant impact on normal splicing. However, these predictions have yet to be confirmed by functional studies. This variant was found in 357/119646 control chromosomes (1 homozygote), predominantly observed in the European (Finnish) subpopulation at a frequency of 0.0062046 (41/6608). This frequency is about the same frequency as the estimated maximal expected allele frequency of a pathogenic ATP7B variant (0.0054006), suggesting this is likely a benign polymorphism found primarily in the populations of European (Finnish) origin. The variant has been reported in the literature without strong evidence for causality, and in one case was present on the same chromosome as a known pathogenic variant, supporting the benign role of the variant. In addition, multiple clinical diagnostic laboratories/reputable databases classified this variant as benign. Taken together, this variant is classified as Benign.

Genetic Services Laboratory, University of Chicago
Classification: Benign. Last evaluated: 2013-02-08. Review status: criteria provided, single submitter. Criteria: ACMG Guidelines, 2007. Collection method: clinical testing. Allele origin: germline. Inheritance: Autosomal recessive inheritance.

PreventionGenetics, part of Exact Sciences
Classification: Likely benign. Review status: criteria provided, single submitter. Criteria: ACMG Guidelines, 2015. Collection method: clinical testing. Allele origin: germline.

Natera, Inc.
Classification: Likely benign for Wilson disease. Last evaluated: 2020-04-15. Review status: no assertion criteria provided. Collection method: clinical testing. Allele origin: germline. Not counted in ClinVar's aggregate classification.

Clinical Genetics, Academic Medical Center
Classification: Benign. Review status: no assertion criteria provided. Collection method: clinical testing. Allele origin: germline. Affected: yes. Study: VKGL Data-share Consensus. Not counted in ClinVar's aggregate classification.

Diagnostic Laboratory, Department of Genetics, University Medical Center Groningen
Classification: Likely benign for Wilson disease. Review status: no assertion criteria provided. Collection method: clinical testing. Allele origin: germline. Affected: yes. Study: VKGL Data-share Consensus. Not counted in ClinVar's aggregate classification.

Genome Diagnostics Laboratory, Amsterdam University Medical Center
Classification: Benign. Review status: no assertion criteria provided. Collection method: clinical testing. Allele origin: germline. Affected: yes. Study: VKGL Data-share Consensus. Not counted in ClinVar's aggregate classification.

Genome Diagnostics Laboratory, University Medical Center Utrecht
Classification: Benign. Review status: no assertion criteria provided. Collection method: clinical testing. Allele origin: germline. Affected: yes. Study: VKGL Data-share Consensus. Not counted in ClinVar's aggregate classification.

Literature cited by the submitters: PubMed 15967699 (cited by Illumina Laboratory Services, Illumina and Women's Health and Genetics/Laboratory Corporation of America, LabCorp); PubMed 11216666 (cited by Illumina Laboratory Services, Illumina and Women's Health and Genetics/Laboratory Corporation of America, LabCorp); PubMed 23518715 (cited by Women's Health and Genetics/Laboratory Corporation of America, LabCorp); PubMed 18371106 (cited by Women's Health and Genetics/Laboratory Corporation of America, LabCorp).